The following is an entry in ClinVar:

ClinVar aggregate classification (germline): Conflicting classifications of pathogenicity. Review status: criteria provided, conflicting classifications (1 of 4 stars). 5 submissions from 5 submitters: Likely pathogenic (1); Uncertain significance (3). 1 of the submissions does not count toward it. Last evaluated 2026-09-25.

Conditions:
SNCB-related disorder. Also called: SNCB-related condition.
Lewy body dementia (DLB). Also called: Lewy Body Disease. Identifiers: MedGen C0752347, MONDO:0007488, OMIM 127750.

Allele frequency attached by ClinVar (database versions not stated): gnomAD exomes 0.00017 and 0.00030; TOPMed 0.00017; gnomAD 0.00021; ExAC 0.00024; 1000 Genomes Project 0.00040; 1000 Genomes Project 30x 0.00047.

Submissions (5):

PreventionGenetics, part of Exact Sciences
Classification: Uncertain significance for SNCB-related condition. Last evaluated: 2026-09-25. Review status: criteria provided, single submitter. Criteria: ACMG Guidelines, 2015. Collection method: clinical testing. Allele origin: germline.
Comment: The SNCB c.368C>A variant is predicted to result in the amino acid substitution p.Pro123His. This variant was reported in individuals with dementia with Lewy bodies (Ohtake et al. 2004. PubMed ID: 15365127, family study). A functional study showed that transgenic mice expressing this variant developed progressive neurodegeneration (Fujita et al. 2010. Pubmed ID: 21045828). Other studies elaborated on the mechanism of this variant (Janowska et al 2015. PubMed ID: 26332674; Psol et al. 2021. PubMed ID: 33760043). However, family segregation study shows that this variant does not produce a disease phenotype in all individuals suggesting reduced penetrance for this variant (Ohtake et al. 2004. PubMed ID: 15365127). This variant is reported in 0.036% of alleles in individuals of European (non-Finnish) descent in gnomAD. Although we suspect that this variant may be pathogenic, at this time, the clinical significance of this variant is uncertain due to the absence of conclusive functional and genetic evidence.

Department of Pathology and Laboratory Medicine, Sinai Health System
Classification: Uncertain significance for Lewy body dementia. Last evaluated: 2022-06-28. Review status: criteria provided, single submitter. Criteria: ACMG Guidelines, 2015. Collection method: research. Allele origin: germline.

AiLife Diagnostics
Classification: Uncertain significance. Last evaluated: 2022-03-29. Review status: criteria provided, single submitter. Criteria: ACMG Guidelines, 2015. Collection method: clinical testing. Allele origin: germline. Affected: yes. Observed: 2 variant alleles.

Dasa
Classification: Likely pathogenic for Lewy body dementia. Last evaluated: 2022-02-05. Review status: criteria provided, single submitter. Criteria: ACMG Guidelines, 2015. Collection method: clinical testing. Allele origin: germline. Affected: yes. Observed: 1 variant allele.
Comment: The c.368C>A;p.(Pro123His) missense variant has been observed in affected individual(s) and ClinVar contains an entry for this variant (Clinvar ID: 7026; OMIM: 602569.0002; PMID: 15365127) - PS4_supporting. Well-established in vitro or in vivo functional studies supportive of a damaging effect on the gene or gene product (PMID: 21045828) - PS3. The variant is located in a mutational hot spot and/or critical and well-established functional domain (Synuclein) - PM1. The variant is present at low allele frequencies population databases (rs104893937 – gnomAD 0.002037%; ABraOM no frequency) - PM2_supporting. and allele frequency is greater than expected for disorder - BS1. In summary, the currently available evidence indicates that the variant is likely pathogenic.

OMIM
Classification: Pathogenic for DEMENTIA, LEWY BODY. Last evaluated: 2004-09-14. Review status: no assertion criteria provided. Collection method: literature only. Allele origin: germline. Not counted in ClinVar's aggregate classification.

Literature cited by the submitters: PubMed 15365127 (cited by 3 submitters); PubMed 31589614 (cited by AiLife Diagnostics); PubMed 21045828 (cited by AiLife Diagnostics and Dasa); PubMed 26332674 (cited by AiLife Diagnostics); PubMed 33760043 (cited by AiLife Diagnostics).

NM_003085.5(SNCB):c.368C>A (p.Pro123His)

Gene: SNCB (synuclein beta; minus strand). Cytogenetic location: 5q35.2.
Variant type: single nucleotide variant.
Coding change: c.368C>A on transcript NM_003085.5 (MANE Select); coding-DNA position 368, C replaced by A.
Protein change: p.Pro123His; replaces proline 123 with histidine.
Molecular consequence: missense variant. On other transcripts: intron variant (2).
Genome position (GRCh38, 1-based): chr5:176,621,218, G>T on the plus strand (C>A on the coding strand, the complement: SNCB is on the minus strand). VCF-style: chr5-176621218-G-T. GRCh37 (hg19) VCF-style: chr5-176048219-G-T.
Other names: c.368C>A (NM_001001502.2); c.368C>A, p.Pro123His (NM_001001502.3, NM_001363140.2); c.326C>A, p.Pro109His (NM_001318034.2, NM_001318036.2); c.283-375C>A (NM_001318037.2, NM_001318035.2); short protein forms P123H, P109H.
Identifiers: ClinVar variation 7026 (VCV000007026.10), dbSNP rs104893937, ClinGen allele CA118593.